The following is an entry in ClinVar:

NM_005359.6(SMAD4):c.473T>G (p.Val158Gly)

Gene: SMAD4 (SMAD family member 4; plus strand). Cytogenetic location: 18q21.2.
Variant type: single nucleotide variant.
Coding change: c.473T>G on transcript NM_005359.6 (MANE Select); coding-DNA position 473, T replaced by G.
Protein change: p.Val158Gly; replaces valine 158 with glycine.
Molecular consequence: missense variant. On other transcripts: non-coding transcript variant (2).
Genome position (GRCh38, 1-based): chr18:51,054,799, T>G. VCF-style: chr18-51054799-T-G. GRCh37 (hg19) VCF-style: chr18-48581169-T-G.
Other names: c.473T>G, p.Val158Gly (NM_001407041.1, NM_001407042.1, NM_001407043.1); short protein forms V158G.
Identifiers: ClinVar variation 3386025 (VCV003386025.1).

ClinVar aggregate classification (germline): Uncertain significance (1 of 4 stars; one submission).

Conditions:
Juvenile polyposis/hereditary hemorrhagic telangiectasia syndrome (JPHT). Also called: JP/HHT SYNDROME; JUVENILE POLYPOSIS WITH HEREDITARY HEMORRHAGIC TELANGIECTASIA; POLYPOSIS, GENERALIZED JUVENILE, WITH PULMONARY ARTERIOVENOUS MALFORMATION; TELANGIECTASIA, HEREDITARY HEMORRHAGIC, WITH JUVENILE POLYPOSIS COLI; Juvenile Polyposis Syndrome / Hereditary Hemorrhagic Telangiectasia (JPS/HHT). Identifiers: Orphanet 2929, MedGen C1832942, MONDO:0008278, OMIM 175050.

Submission:

All of Us Research Program, National Institutes of Health
Classification: Uncertain significance for Juvenile polyposis/hereditary hemorrhagic telangiectasia syndrome. Last evaluated: 2024-05-14. Review status: criteria provided, single submitter. Criteria: ACMG Guidelines, 2015. Collection method: clinical testing. Allele origin: germline. Inheritance: Autosomal dominant inheritance. Observed: 1 variant allele, 1 heterozygote.
Comment: This missense variant replaces valine with glycine at codon 158 of the SMAD4 protein. Computational prediction suggests that this variant may have deleterious impact on protein structure and function (internally defined REVEL score threshold >= 0.7, PMID: 27666373). To our knowledge, functional studies have not been reported for this variant. This variant has not been reported in individuals affected with SMAD4-related disorders in the literature. This variant has not been identified in the general population by the Genome Aggregation Database (gnomAD). The available evidence is insufficient to determine the role of this variant in disease conclusively. Therefore, this variant is classified as a Variant of Uncertain Significance.

This study involves interpretation of variants in research participants for the purpose of population health screening. Participant phenotype was not available at the time of variant classification. Additional details can be found in publication PMID: 35346344, PMCID: PMC8962531